The following is an entry in ClinVar:

NM_001330260.2(SCN8A):c.3440C>T (p.Pro1147Leu)

Gene: SCN8A (sodium voltage-gated channel alpha subunit 8; plus strand). Cytogenetic location: 12q13.13.
Variant type: single nucleotide variant.
Coding change: c.3440C>T on transcript NM_001330260.2 (MANE Select); coding-DNA position 3440, C replaced by T.
Protein change: p.Pro1147Leu; replaces proline 1147 with leucine.
Molecular consequence: missense variant.
Genome position (GRCh38, 1-based): chr12:51,769,935, C>T. VCF-style: chr12-51769935-C-T. GRCh37 (hg19) VCF-style: chr12-52163719-C-T.
Other names: c.3440C>T, p.Pro1147Leu (NM_001177984.3, NM_001369788.1, NM_014191.4); short protein forms P1147L.
Identifiers: ClinVar variation 2164499 (VCV002164499.4), dbSNP rs2540269148, ClinGen allele CA384895427.
Genomic context (GRCh38, chr12:51,769,935, plus strand): 5'-ATGACACCAGCTCCTCTGAAGGAAGCACCATTGATATCAAACCAGAAGTAGAAGAGGTCC[C>T]TGTGGAACAGCCTGAGGAATACTTGGATCCAGATGCCTGCTTCACAGAAGGTGAAAGGGG-3'
Protein context (NP_001317189.1, residues 1137-1157): IDIKPEVEEV[Pro1147Leu]VEQPEEYLDP

ClinVar aggregate classification (germline): Uncertain significance (1 of 4 stars; one submission).

Conditions:
Early-infantile DEE. Also called: Ohtahara syndrome; Early infantile epileptic encephalopathy with suppression bursts; Early infantile epileptic encephalopathy. Identifiers: Orphanet 1934, MedGen C0393706, MONDO:0800491.

Allele frequency attached by ClinVar (database versions not stated): gnomAD exomes below 0.00001.
gnomAD v4.1: 2 of 1,608,040 alleles (0.00012%); highest among the groups gnomAD compares: East Asian, 0.0022%; no homozygotes.

Submission:

Labcorp Genetics (formerly Invitae), Labcorp
Classification: Uncertain significance for Early-infantile DEE. Last evaluated: 2022-01-15. Review status: criteria provided, single submitter. Criteria: Invitae Variant Classification Sherloc (09022015). Collection method: clinical testing. Allele origin: germline.
Comment: This sequence change replaces proline, which is neutral and non-polar, with leucine, which is neutral and non-polar, at codon 1147 of the SCN8A protein (p.Pro1147Leu). This variant is not present in population databases (gnomAD no frequency). This variant has not been reported in the literature in individuals affected with SCN8A-related conditions. Algorithms developed to predict the effect of missense changes on protein structure and function are either unavailable or do not agree on the potential impact of this missense change (SIFT: "Deleterious"; PolyPhen-2: "Benign"; Align-GVGD: "Class C0"). In summary, the available evidence is currently insufficient to determine the role of this variant in disease. Therefore, it has been classified as a Variant of Uncertain Significance.